The following is an entry in ClinVar:

ClinVar aggregate classification (germline): Likely benign (1 of 4 stars; one submission).

gnomAD v4.1: 1 of 1,599,966 alleles (0.000063%); highest among the groups gnomAD compares: Non-Finnish European, 0.000085%; no homozygotes.

Submission:

CeGaT Center for Human Genetics Tuebingen
Classification: Likely benign. Last evaluated: 2025-09-01. Review status: criteria provided, single submitter. Criteria: CeGaT Center For Human Genetics Tuebingen Variant Classification Criteria Version 2. Collection method: clinical testing. Allele origin: germline. Affected: yes. Observed: 1 variant allele.
Comment: GET3: BP4, BP7

NM_004317.4(GET3):c.1032C>A (p.Pro344=)

Gene: GET3 (guided entry of tail-anchored proteins factor 3, ATPase; plus strand). Cytogenetic location: 19p13.13.
Variant type: single nucleotide variant.
Coding change: c.1032C>A on transcript NM_004317.4 (MANE Select); coding-DNA position 1032, C replaced by A.
Protein change: p.Pro344=; no amino-acid change (proline 344 retained).
Molecular consequence: synonymous variant.
Genome position (GRCh38, 1-based): chr19:12,748,089, C>A. VCF-style: chr19-12748089-C-A. GRCh37 (hg19) VCF-style: chr19-12858903-C-A.
Other names: c.1032C>A, p.Pro344= (NM_001371488.1, NM_001371489.1).
Identifiers: ClinVar variation 4281374 (VCV004281374.7).
Genomic context (GRCh38, chr19:12,748,089, plus strand): 5'-GGTGCGGGGGGCAGACAAGGTCAACACCTTCTCGGCCCTCCTCCTGGAGCCCTACAAGCC[C>A]CCCAGTGCCCAGTAGCACAGCTGCCAGCCCCAACCGCTGCCATTTCACACTCACCCTCCA-3'
Protein context (NP_004308.2, residues 334-348): FSALLLEPYK[Pro344=]PSAQ